The following is an entry in ClinVar:

NM_022124.6(CDH23):c.7060G>T (p.Val2354Phe)

Gene: CDH23 (cadherin related 23; plus strand). Cytogenetic location: 10q22.1.
Variant type: single nucleotide variant.
Coding change: c.7060G>T on transcript NM_022124.6 (MANE Select); coding-DNA position 7060, G replaced by T.
Protein change: p.Val2354Phe; replaces valine 2354 with phenylalanine.
Molecular consequence: missense variant.
Genome position (GRCh38, 1-based): chr10:71,799,116, G>T. VCF-style: chr10-71799116-G-T. GRCh37 (hg19) VCF-style: chr10-73558873-G-T.
Other names: c.340G>T, p.Val114Phe (NM_001171933.1, NM_001171934.1); short protein forms V2354F, V114F.
Identifiers: ClinVar variation 955129 (VCV000955129.10), dbSNP rs1589428432, ClinGen allele CA377158637.

ClinVar aggregate classification (germline): Uncertain significance. Review status: criteria provided, single submitter (1 of 4 stars). 2 submissions from 2 submitters: Uncertain significance (1). 1 of the submissions does not count toward it. Last evaluated 2024-01-29.

Conditions:
Usher syndrome type 1 (USH1). Also called: RETINITIS PIGMENTOSA AND CONGENITAL DEAFNESS. Identifiers: Orphanet 231169, Orphanet 886, MedGen C1568247, MONDO:0010168, OMIM 276900.

Submissions (2):

Labcorp Genetics (formerly Invitae), Labcorp
Classification: Uncertain significance. Last evaluated: 2024-01-29. Review status: criteria provided, single submitter. Criteria: Invitae Variant Classification Sherloc (09022015). Collection method: clinical testing. Allele origin: germline.
Comment: This sequence change replaces valine, which is neutral and non-polar, with phenylalanine, which is neutral and non-polar, at codon 2354 of the CDH23 protein (p.Val2354Phe). This variant is not present in population databases (gnomAD no frequency). This variant has not been reported in the literature in individuals affected with CDH23-related conditions. ClinVar contains an entry for this variant (Variation ID: 955129). Advanced modeling of protein sequence and biophysical properties (such as structural, functional, and spatial information, amino acid conservation, physicochemical variation, residue mobility, and thermodynamic stability) performed at Invitae indicates that this missense variant is not expected to disrupt CDH23 protein function with a negative predictive value of 95%. In summary, the available evidence is currently insufficient to determine the role of this variant in disease. Therefore, it has been classified as a Variant of Uncertain Significance.

Natera, Inc.
Classification: Uncertain significance for Usher syndrome type 1. Last evaluated: 2020-04-29. Review status: no assertion criteria provided. Collection method: clinical testing. Allele origin: germline. Not counted in ClinVar's aggregate classification.